The following is an entry in ClinVar:

ClinVar aggregate classification (germline): Uncertain significance (1 of 4 stars; one submission).

Submission:

GeneDx
Classification: Uncertain significance. Last evaluated: 2024-02-13. Review status: criteria provided, single submitter. Criteria: GeneDx Variant Classification Process June 2021. Collection method: clinical testing. Allele origin: germline. Affected: yes.
Comment: Not observed at significant frequency in large population cohorts (gnomAD); Has not been previously published as pathogenic or benign to our knowledge; Nonsense variant predicted to result in protein truncation or nonsense mediated decay in a gene for which loss-of-function is not a known mechanism of disease

NM_032482.3(DOT1L):c.3322C>T (p.Arg1108Ter)

Gene: DOT1L (DOT1 like histone lysine methyltransferase; plus strand). Cytogenetic location: 19p13.3.
Variant type: single nucleotide variant.
Coding change: c.3322C>T on transcript NM_032482.3 (MANE Select); coding-DNA position 3322, C replaced by T.
Protein change: p.Arg1108Ter; replaces arginine 1108 with a stop codon.
Molecular consequence: nonsense.
Genome position (GRCh38, 1-based): chr19:2,222,491, C>T. VCF-style: chr19-2222491-C-T. GRCh37 (hg19) VCF-style: chr19-2222490-C-T.
Other names: c.3322C>T, p.Arg1108Ter (NM_001411141.1); short protein forms R1108*.
Identifiers: ClinVar variation 3369091 (VCV003369091.1).